The following is an entry in ClinVar:

ClinVar aggregate classification (germline): Benign/Likely benign. Review status: criteria provided, multiple submitters, no conflicts (2 of 4 stars). 3 submissions from 3 submitters: Benign (1); Likely benign (1). 1 of the submissions does not count toward it. Last evaluated 2025-12-26.

Conditions:
Duchenne muscular dystrophy (DMD). Also called: MUSCULAR DYSTROPHY, PSEUDOHYPERTROPHIC PROGRESSIVE, DUCHENNE TYPE; Duchenne Muscular Dystrophy (DMD). Identifiers: Orphanet 98896, MedGen C0013264, MONDO:0010679, OMIM 310200.
Dystrophin deficiency.
Cardiomyopathy (CMYO). Also called: Cardiomyopathies. Identifiers: Orphanet 167848, MedGen C0878544, MONDO:0004994, HP:0001638. Inheritance: Various modes of inheritance.
Becker muscular dystrophy (BMD). Also called: MUSCULAR DYSTROPHY, PSEUDOHYPERTROPHIC PROGRESSIVE, BECKER TYPE; Becker Muscular Dystrophy (BMD). Identifiers: Orphanet 98895, MedGen C0917713, MONDO:0010311, OMIM 300376.

Allele frequency attached by ClinVar (database versions not stated): gnomAD 0.00001 and 0.00002; gnomAD exomes 0.00002 and 0.00004; ExAC 0.00003; 1000 Genomes Project 30x 0.00021; 1000 Genomes Project 0.00026.
gnomAD v4.1: 25 of 1,209,356 alleles (0.0021%); highest among the groups gnomAD compares: South Asian, 0.019%; no homozygotes.

Submissions (3):

Labcorp Genetics (formerly Invitae), Labcorp
Classification: Benign for Duchenne muscular dystrophy. Last evaluated: 2025-12-26. Review status: criteria provided, single submitter. Criteria: Invitae Variant Classification Sherloc (09022015). Collection method: clinical testing. Allele origin: germline.

CeGaT Center for Human Genetics Tuebingen
Classification: Likely benign. Last evaluated: 2023-03-01. Review status: criteria provided, single submitter. Criteria: CeGaT Center For Human Genetics Tuebingen Variant Classification Criteria Version 2. Collection method: clinical testing. Allele origin: germline. Affected: yes. Observed: 1 variant allele.
Comment: DMD: PP3, BS2

Natera, Inc.
Classification: Likely benign for Becker muscular dystrophy; Cardiomyopathy; Duchenne muscular dystrophy; Dystrophin deficiency. Last evaluated: 2021-06-29. Review status: no assertion criteria provided. Collection method: clinical testing. Allele origin: germline. Not counted in ClinVar's aggregate classification.

NM_004006.3(DMD):c.10160C>T (p.Ala3387Val)

Gene: DMD (dystrophin; minus strand). Cytogenetic location: Xp21.2.
Variant type: single nucleotide variant.
Coding change: c.10160C>T on transcript NM_004006.3 (MANE Select); coding-DNA position 10160, C replaced by T.
Protein change: p.Ala3387Val; replaces alanine 3387 with valine.
Molecular consequence: missense variant.
Genome position (GRCh38, 1-based): chrX:31,178,732, G>A on the plus strand (C>T on the coding strand, the complement: DMD is on the minus strand). VCF-style: chrX-31178732-G-A. GRCh37 (hg19) VCF-style: chrX-31196849-G-A.
Other names: c.10136C>T, p.Ala3379Val (NM_000109.4); c.10148C>T, p.Ala3383Val (NM_004009.3); c.9791C>T, p.Ala3264Val (NM_004010.3); c.6137C>T, p.Ala2046Val (NM_004011.4); c.6128C>T, p.Ala2043Val (NM_004012.4); c.2780C>T, p.Ala927Val (NM_004013.3, NM_004020.4, NM_004021.3 and 2 more transcripts); c.1973C>T, p.Ala658Val (NM_004014.3); c.956C>T, p.Ala319Val (NM_004015.3, NM_004016.3, NM_004017.3 and 2 more transcripts); short protein forms A2043V, A2046V, A319V, A3264V, A3379V, A3383V, A3387V, A658V.
Identifiers: ClinVar variation 1167778 (VCV001167778.38), dbSNP rs202219782, ClinGen allele CA10377684.